The following is an entry in ClinVar:

ClinVar aggregate classification (germline): Uncertain significance. Review status: criteria provided, multiple submitters, no conflicts (2 of 4 stars). 3 submissions from 3 submitters: Uncertain significance (3). Last evaluated 2023-01-10.

Conditions:
Cohen syndrome (COH1). Also called: PEPPER SYNDROME; Cutis verticis gyrata, retinitis pigmentosa, and sensorineural deafness. Identifiers: Orphanet 193, MedGen C0265223, MONDO:0008999, OMIM 216550.
Inborn genetic diseases. Identifiers: MedGen C0950123, MeSH D030342.

Allele frequency attached by ClinVar (database versions not stated): gnomAD exomes below 0.00001; TOPMed below 0.00001.
gnomAD v4.1: 4 of 1,613,732 alleles (0.00025%); highest among the groups gnomAD compares: Non-Finnish European, 0.00034%; no homozygotes.

Submissions (3):

Ambry Genetics
Classification: Uncertain significance for Inborn genetic diseases. Last evaluated: 2023-01-10. Review status: criteria provided, single submitter. Criteria: Ambry Variant Classification Scheme 2023. Collection method: clinical testing. Allele origin: germline.

Blueprint Genetics
Classification: Uncertain significance. Last evaluated: 2023-01-09. Review status: criteria provided, single submitter. Criteria: ACMG Guidelines, 2015. Collection method: clinical testing. Allele origin: germline.

Labcorp Genetics (formerly Invitae), Labcorp
Classification: Uncertain significance for Cohen syndrome. Last evaluated: 2022-07-06. Review status: criteria provided, single submitter. Criteria: Invitae Variant Classification Sherloc (09022015). Collection method: clinical testing. Allele origin: germline.
Comment: This sequence change replaces glycine, which is neutral and non-polar, with serine, which is neutral and polar, at codon 1180 of the VPS13B protein (p.Gly1180Ser). This variant is not present in population databases (gnomAD no frequency). This variant has not been reported in the literature in individuals affected with VPS13B-related conditions. ClinVar contains an entry for this variant (Variation ID: 852573). Algorithms developed to predict the effect of missense changes on protein structure and function are either unavailable or do not agree on the potential impact of this missense change (SIFT: "Not Available"; PolyPhen-2: "Probably Damaging"; Align-GVGD: "Not Available"). In summary, the available evidence is currently insufficient to determine the role of this variant in disease. Therefore, it has been classified as a Variant of Uncertain Significance.

NM_152564.5(VPS13B):c.3538G>A (p.Gly1180Ser)

Gene: VPS13B (vacuolar protein sorting 13 homolog B; plus strand). Cytogenetic location: 8q22.2.
Variant type: single nucleotide variant.
Coding change: c.3538G>A on transcript NM_152564.5 (MANE Select); coding-DNA position 3538, G replaced by A.
Protein change: p.Gly1180Ser; replaces glycine 1180 with serine.
Molecular consequence: missense variant.
Genome position (GRCh38, 1-based): chr8:99,467,506, G>A. VCF-style: chr8-99467506-G-A. GRCh37 (hg19) VCF-style: chr8-100479734-G-A.
Other names: c.3538G>A, p.Gly1180Ser (NM_017890.5); c.3538G>A (NM_017890.3); short protein forms G1180S.
Identifiers: ClinVar variation 852573 (VCV000852573.6), dbSNP rs995313030, ClinGen allele CA371866101.